The following is an entry in ClinVar:

ClinVar aggregate classification (germline): Uncertain significance. Review status: criteria provided, multiple submitters, no conflicts (2 of 4 stars). 2 submissions from 2 submitters: Uncertain significance (2). Last evaluated 2025-07-01.

Allele frequency attached by ClinVar (database versions not stated): ExAC 0.00004; ESP Exome Variant Server 0.00008; TOPMed 0.00009.
gnomAD v4.1: 99 of 1,613,766 alleles (0.0061%); highest among the groups gnomAD compares: Non-Finnish European, 0.0031%; no homozygotes.

Submissions (2):

CeGaT Center for Human Genetics Tuebingen
Classification: Uncertain significance. Last evaluated: 2025-07-01. Review status: criteria provided, single submitter. Criteria: CeGaT Center For Human Genetics Tuebingen Variant Classification Criteria Version 2. Collection method: clinical testing. Allele origin: germline. Affected: yes. Observed: 1 variant allele.
Comment: SPTA1: PM2:Supporting, BP4

Ambry Genetics
Classification: Uncertain significance. Last evaluated: 2021-10-05. Review status: criteria provided, single submitter. Criteria: Ambry Variant Classification Scheme 2023. Collection method: clinical testing. Allele origin: germline.

NM_003126.4(SPTA1):c.2174G>A (p.Arg725Gln)

Gene: SPTA1 (spectrin alpha, erythrocytic 1; minus strand). Cytogenetic location: 1q23.1.
Variant type: single nucleotide variant.
Coding change: c.2174G>A on transcript NM_003126.4 (MANE Select); coding-DNA position 2174, G replaced by A.
Protein change: p.Arg725Gln; replaces arginine 725 with glutamine.
Molecular consequence: missense variant.
Genome position (GRCh38, 1-based): chr1:158,666,362, C>T on the plus strand (G>A on the coding strand, the complement: SPTA1 is on the minus strand). VCF-style: chr1-158666362-C-T. GRCh37 (hg19) VCF-style: chr1-158636152-C-T.
Other names: short protein forms R725Q.
Identifiers: ClinVar variation 2205442 (VCV002205442.10), dbSNP rs375230030, ClinGen allele CA1183501.